The following is an entry in ClinVar:

ClinVar aggregate classification (germline): Likely pathogenic (1 of 4 stars; one submission).

Allele frequency attached by ClinVar (database versions not stated): gnomAD exomes 0.00001; ExAC 0.00001.

Submission:

Labcorp Genetics (formerly Invitae), Labcorp
Classification: Likely pathogenic. Last evaluated: 2024-01-04. Review status: criteria provided, single submitter. Criteria: Invitae Variant Classification Sherloc (09022015). Collection method: clinical testing. Allele origin: germline.
Comment: This sequence change affects an acceptor splice site in intron 4 of the CHRNG gene. It is expected to disrupt RNA splicing. Variants that disrupt the donor or acceptor splice site typically lead to a loss of protein function (PMID: 16199547), and loss-of-function variants in CHRNG are known to be pathogenic (PMID: 16826520). This variant is present in population databases (rs761413806, gnomAD 0.006%). Disruption of this splice site has been observed in individual(s) with clinical features of CHRNG-related conditions (PMID: 36292632). Algorithms developed to predict the effect of sequence changes on RNA splicing suggest that this variant may disrupt the consensus splice site. In summary, the currently available evidence indicates that the variant is pathogenic, but additional data are needed to prove that conclusively. Therefore, this variant has been classified as Likely Pathogenic.

Literature cited by the submitters: PubMed 16199547; PubMed 16826520; PubMed 36292632.

NM_005199.5(CHRNG):c.351-1G>A

Gene: CHRNG (cholinergic receptor nicotinic gamma subunit; plus strand). Cytogenetic location: 2q37.1.
Variant type: single nucleotide variant.
Coding change: c.351-1G>A on transcript NM_005199.5 (MANE Select); the canonical splice acceptor site of the intron before coding-DNA position 351, G replaced by A.
Molecular consequence: splice acceptor variant.
Genome position (GRCh38, 1-based): chr2:232,541,373, G>A. VCF-style: chr2-232541373-G-A. GRCh37 (hg19) VCF-style: chr2-233406083-G-A.
Identifiers: ClinVar variation 2716250 (VCV002716250.3), dbSNP rs761413806, ClinGen allele CA2168640.